The following is an entry in ClinVar:

NM_007294.4(BRCA1):c.3312G>A (p.Lys1104=)

Genes: BRCA1 (BRCA1 DNA repair associated; minus strand), LOC126862571 (BRD4-independent group 4 enhancer GRCh37_chr17:41243136-41244335; plus strand). Cytogenetic location: 17q21.31.
Variant type: single nucleotide variant.
Coding change: c.3312G>A on transcript NM_007294.4 (MANE Select); coding-DNA position 3312, G replaced by A.
Protein change: p.Lys1104=; no amino-acid change (lysine 1104 retained).
Molecular consequence: synonymous variant. On other transcripts: intron variant (137).
Genome position (GRCh38, 1-based): chr17:43,092,219, C>T on the plus strand (G>A on the coding strand, the complement: BRCA1 is on the minus strand). VCF-style: chr17-43092219-C-T. GRCh37 (hg19) VCF-style: chr17-41244236-C-T.
Other names: c.3099G>A, p.Lys1033= (NM_001407571.1, NM_001407853.1, NM_001407894.1 and 9 more transcripts); c.3312G>A, p.Lys1104= (NM_001407581.1, NM_001407582.1, NM_001407583.1 and 30 more transcripts); c.3309G>A, p.Lys1103= (NM_001407587.1, NM_001407590.1, NM_001407591.1 and 22 more transcripts); c.3303G>A, p.Lys1101= (NM_001407646.1, NM_001407647.1); c.3189G>A, p.Lys1063= (NM_001407648.1, NM_001407664.1, NM_001407665.1 and 19 more transcripts); c.3186G>A, p.Lys1062= (NM_001407649.1, NM_001407670.1, NM_001407671.1 and 11 more transcripts); c.3234G>A, p.Lys1078= (NM_001407653.1, NM_001407654.1, NM_001407655.1 and 4 more transcripts); c.3231G>A, p.Lys1077= (NM_001407659.1, NM_001407660.1, NM_001407661.1 and 1 more transcripts); and 41 more.
Identifiers: ClinVar variation 231208 (VCV000231208.8), dbSNP rs876659024, ClinGen allele CA10580566.

ClinVar aggregate classification (germline): Likely benign. Review status: reviewed by expert panel (3 of 4 stars). 2 submissions from 2 submitters: Likely benign (1). 1 of the submissions does not count toward it. Last evaluated 2017-06-29.

Conditions:
Breast-ovarian cancer, familial, susceptibility to, 1 (BROVCA1). Also called: BRCA1 Hereditary Breast and Ovarian Cancer; OVARIAN CANCER, SUSCEPTIBILITY TO. Identifiers: Orphanet 145, MedGen C2676676, MONDO:0011450, OMIM 604370. Disease mechanism: loss of function.
Hereditary cancer-predisposing syndrome. Also called: Tumor predisposition; Hereditary Cancer Syndrome; Neoplastic Syndromes, Hereditary; Hereditary neoplastic syndrome. Identifiers: Orphanet 140162, MedGen C0027672, MeSH D009386, MONDO:0015356.

Submissions (2):

Evidence-based Network for the Interpretation of Germline Mutant Alleles (ENIGMA)
Classification: Likely benign for Breast-ovarian cancer, familial, susceptibility to, 1. Last evaluated: 2017-06-29. Review status: reviewed by expert panel. Criteria: ENIGMA BRCA1/2 Classification Criteria (2017-06-29). Collection method: curation. Allele origin: germline.
Comment: Synonymous substitution variant, with low bioinformatic likelihood to result in a splicing aberration (Splicing prior probability 0.02).

Ambry Genetics
Classification: Likely benign for Hereditary cancer-predisposing syndrome. Last evaluated: 2015-03-30. Review status: criteria provided, single submitter. Criteria: Ambry Variant Classification Scheme 2023. Collection method: clinical testing. Allele origin: germline. Not counted in ClinVar's aggregate classification.